The following is an entry in ClinVar:

NM_001365951.3(KIF1B):c.3256T>G (p.Leu1086Val)

Gene: KIF1B (kinesin family member 1B; plus strand). Cytogenetic location: 1p36.22.
Variant type: single nucleotide variant.
Coding change: c.3256T>G on transcript NM_001365951.3 (MANE Select); coding-DNA position 3256, T replaced by G.
Protein change: p.Leu1086Val; replaces leucine 1086 with valine.
Molecular consequence: missense variant.
Genome position (GRCh38, 1-based): chr1:10,337,200, T>G. VCF-style: chr1-10337200-T-G. GRCh37 (hg19) VCF-style: chr1-10397258-T-G.
Other names: c.3256T>G, p.Leu1086Val (NM_001365952.1); c.3118T>G, p.Leu1040Val (NM_015074.3); short protein forms L1040V, L1086V.
Identifiers: ClinVar variation 1727823 (VCV001727823.2), dbSNP rs2521719784, ClinGen allele CA338340132.
Genomic context (GRCh38, chr1:10,337,200, plus strand): 5'-GGACAGGGTCAGAGTTCTGAGGTCATCACTCCTCCAGAAGAAATCAGTCGAATTAATGAC[T>G]TGGGTATGTAGACATAGTTTACTGTGCTTGGGGACATTTTCGACAAAGGGAAAATATTGA-3'
Protein context (NP_001352880.1, residues 1076-1096): PPEEISRIND[Leu1086Val]DLKSSTLLDG

ClinVar aggregate classification (germline): Uncertain significance (1 of 4 stars; one submission).

Submission:

Ambry Genetics
Classification: Uncertain significance. Last evaluated: 2022-02-28. Review status: criteria provided, single submitter. Criteria: Ambry Variant Classification Scheme 2023. Collection method: clinical testing. Allele origin: germline.
Comment: The p.L1040V variant (also known as c.3118T>G), located in coding exon 27 of the KIF1B gene, results from a T to G substitution at nucleotide position 3118. The leucine at codon 1040 is replaced by valine, an amino acid with highly similar properties. This amino acid position is not well conserved in available vertebrate species. In addition, this alteration is predicted to be tolerated by in silico analysis. Since supporting evidence is limited at this time, the clinical significance of this alteration remains unclear.